The following is an entry in ClinVar:

NM_004360.5(CDH1):c.2613G>C (p.Lys871Asn)

Gene: CDH1 (cadherin 1; plus strand). Cytogenetic location: 16q22.1.
Variant type: single nucleotide variant.
Coding change: c.2613G>C on transcript NM_004360.5 (MANE Select); coding-DNA position 2613, G replaced by C.
Protein change: p.Lys871Asn; replaces lysine 871 with asparagine.
Molecular consequence: missense variant.
Genome position (GRCh38, 1-based): chr16:68,833,463, G>C. VCF-style: chr16-68833463-G-C. GRCh37 (hg19) VCF-style: chr16-68867366-G-C.
Other names: c.2430G>C, p.Lys810Asn (NM_001317184.2); c.1065G>C, p.Lys355Asn (NM_001317185.2); c.648G>C, p.Lys216Asn (NM_001317186.2); short protein forms K871N, K355N, K810N, K216N.
Identifiers: ClinVar variation 1501619 (VCV001501619.8), dbSNP rs2152144195, ClinGen allele CA396472737.

ClinVar aggregate classification (germline): Uncertain significance (1 of 4 stars; one submission).

Conditions:
Hereditary diffuse gastric adenocarcinoma (HDGC). Also called: DIFFUSE GASTRIC AND LOBULAR BREAST CANCER SYNDROME. Identifiers: Orphanet 26106, MedGen C1708349, MONDO:0007648, OMIM 137215.

Submission:

Labcorp Genetics (formerly Invitae), Labcorp
Classification: Uncertain significance for Hereditary diffuse gastric adenocarcinoma. Last evaluated: 2021-01-10. Review status: criteria provided, single submitter. Criteria: Invitae Variant Classification Sherloc (09022015). Collection method: clinical testing. Allele origin: germline.
Comment: In summary, the available evidence is currently insufficient to determine the role of this variant in disease. Therefore, it has been classified as a Variant of Uncertain Significance. Algorithms developed to predict the effect of missense changes on protein structure and function are either unavailable or do not agree on the potential impact of this missense change (SIFT: "Deleterious"; PolyPhen-2: "Probably Damaging"; Align-GVGD: "Class C0"). This variant has not been reported in the literature in individuals with CDH1-related conditions. This variant is not present in population databases (ExAC no frequency). This sequence change replaces lysine with asparagine at codon 871 of the CDH1 protein (p.Lys871Asn). The lysine residue is highly conserved and there is a moderate physicochemical difference between lysine and asparagine.